The following is an entry in ClinVar:

NM_014975.3(MAST1):c.3736G>C (p.Val1246Leu)

Gene: MAST1 (microtubule associated serine/threonine kinase 1; plus strand). Cytogenetic location: 19p13.13.
Variant type: single nucleotide variant.
Coding change: c.3736G>C on transcript NM_014975.3 (MANE Select); coding-DNA position 3736, G replaced by C.
Protein change: p.Val1246Leu; replaces valine 1246 with leucine.
Molecular consequence: missense variant.
Genome position (GRCh38, 1-based): chr19:12,873,893, G>C. VCF-style: chr19-12873893-G-C. GRCh37 (hg19) VCF-style: chr19-12984707-G-C.
Other names: short protein forms V1246L.
Identifiers: ClinVar variation 3902699 (VCV003902699.2).

ClinVar aggregate classification (germline): Conflicting classifications of pathogenicity. Review status: criteria provided, conflicting classifications (1 of 4 stars). 2 submissions from 2 submitters: Uncertain significance (1); Likely benign (1). Last evaluated 2025-05-27.

gnomAD v4.1: 5 of 1,580,022 alleles (0.00032%); highest among the groups gnomAD compares: Admixed American, 0.0018%; no homozygotes.

Submissions (2):

Women's Health and Genetics/Laboratory Corporation of America, LabCorp
Classification: Uncertain significance. Last evaluated: 2025-05-27. Review status: criteria provided, single submitter. Criteria: LabCorp Variant Classification Summary - May 2015. Collection method: clinical testing. Allele origin: germline.
Comment: Variant summary: MAST1 c.3736G>C (p.Val1246Leu) results in a conservative amino acid change in the encoded protein sequence. Algorithms developed to predict the effect of missense changes on protein structure and function are either unavailable or do not agree on the potential impact of this missense change. The variant allele was found at a frequency of 1e-05 in 196592 control chromosomes (gnomAD). The available data on variant occurrences in the general population are insufficient to allow any conclusion about variant significance. c.3736G>C has been observed in one individual affected with breast cancer (Girard_2019). The report does not provide unequivocal conclusions about association of the variant with Mega-Corpus Syndrome With Cerebellar Hypoplasia And Cortical Malformations. To our knowledge, no experimental evidence demonstrating an impact on protein function has been reported. The following publication have been ascertained in the context of this evaluation (PMID: 30303537). No submitters have cited clinical-significance assessments for this variant to ClinVar. Based on the evidence outlined above, the variant was classified as uncertain significance.

Labcorp Genetics (formerly Invitae), Labcorp
Classification: Likely benign. Last evaluated: 2025-04-21. Review status: criteria provided, single submitter. Criteria: Invitae Variant Classification Sherloc (09022015). Collection method: clinical testing. Allele origin: germline.

Literature cited by the submitters: PubMed 30303537 (cited by Women's Health and Genetics/Laboratory Corporation of America, LabCorp).